The following is an entry in ClinVar:

ClinVar aggregate classification (germline): Benign. Review status: criteria provided, multiple submitters, no conflicts (2 of 4 stars). 5 submissions from 5 submitters: Benign (5). Last evaluated 2024-11-27.

Conditions:
Dicarboxylic aminoaciduria (DCBXA). Also called: GLUTAMATE-ASPARTATE TRANSPORT DEFECT. Identifiers: Orphanet 2195, MedGen C1857253, MONDO:0009110, OMIM 222730.

Allele frequency attached by ClinVar (database versions not stated): TOPMed 0.21074; 1000 Genomes Project 30x 0.21611; ESP Exome Variant Server 0.22159; 1000 Genomes Project 0.22224; gnomAD 0.22319 and 0.22674.
gnomAD v4.1: 402,012 of 1,602,168 alleles (25%); highest among the groups gnomAD compares: South Asian, 33%; 51,753 homozygotes.

Submissions (5):

Blueprint Genetics
Classification: Benign. Last evaluated: 2024-11-27. Review status: criteria provided, single submitter. Criteria: ACMG Guidelines, 2015. Collection method: clinical testing. Allele origin: germline.

Mayo Clinic Laboratories, Mayo Clinic
Classification: Benign. Last evaluated: 2021-04-07. Review status: criteria provided, single submitter. Criteria: ACMG Guidelines, 2015. Collection method: clinical testing. Allele origin: germline. Observed: 1 variant allele.

GeneDx
Classification: Benign. Last evaluated: 2018-11-12. Review status: criteria provided, single submitter. Criteria: GeneDx Variant Classification Process June 2021. Collection method: clinical testing. Allele origin: germline. Affected: yes.

Illumina Laboratory Services, Illumina
Classification: Benign for Dicarboxylic aminoaciduria. Last evaluated: 2018-01-12. Review status: criteria provided, single submitter. Criteria: ICSL Variant Classification Criteria 13 December 2019. Collection method: clinical testing. Allele origin: germline.
Comment: This variant was observed in the ICSL laboratory as part of a predisposition screen in an ostensibly healthy population. It had not been previously curated by ICSL or reported in the Human Gene Mutation Database (HGMD: prior to June 1st, 2018), and was therefore a candidate for classification through an automated scoring system. Utilizing variant allele frequency, disease prevalence and penetrance estimates, and inheritance mode, an automated score was calculated to assess if this variant is too frequent to cause the disease. Based on the score and internal cut-off values, a variant classified as benign is not then subjected to further curation. The score for this variant resulted in a classification of benign for this disease.

Breakthrough Genomics
Classification: Benign. Review status: criteria provided, single submitter. Criteria: ACMG Guidelines, 2015. Collection method: not provided. Allele origin: germline. Inheritance: Autosomal recessive inheritance. Affected: yes.

NM_004170.6(SLC1A1):c.232+14A>T

Gene: SLC1A1 (solute carrier family 1 member 1; plus strand). Cytogenetic location: 9p24.2.
Variant type: single nucleotide variant.
Coding change: c.232+14A>T on transcript NM_004170.6 (MANE Select); 14 bases into the intron after coding-DNA position 232, A replaced by T.
Molecular consequence: intron variant.
Genome position (GRCh38, 1-based): chr9:4,544,721, A>T. VCF-style: chr9-4544721-A-T. GRCh37 (hg19) VCF-style: chr9-4544721-A-T.
Other names: p.?.
Identifiers: ClinVar variation 367040 (VCV000367040.10), dbSNP rs45518336, ClinGen allele CA4968876.
Genomic context (GRCh38, chr9:4,544,721, plus strand): 5'-GCTGAAACTCATCATTTTGCCATTAATTATATCCAGCATGATTACAGGTACCTTGAGAAA[A>T]CAGATGTTCTCTATATTAGTCCATTTTCATACTGCTGTAAAGAACTTCCTGAGACTAGGT-3'